The following is an entry in ClinVar:

NM_017563.5(IL17RD):c.2048C>T (p.Ser683Leu)

Genes: IL17RD (interleukin 17 receptor D; minus strand), LOC126806689 (BRD4-independent group 4 enhancer GRCh37_chr3:57131244-57132443; plus strand). Cytogenetic location: 3p14.3.
Variant type: single nucleotide variant.
Coding change: c.2048C>T on transcript NM_017563.5 (MANE Select); coding-DNA position 2048, C replaced by T.
Protein change: p.Ser683Leu; replaces serine 683 with leucine.
Molecular consequence: missense variant.
Genome position (GRCh38, 1-based): chr3:57,097,655, G>A on the plus strand (C>T on the coding strand, the complement: IL17RD is on the minus strand). VCF-style: chr3-57097655-G-A. GRCh37 (hg19) VCF-style: chr3-57131683-G-A.
Other names: c.2048C>T, p.Ser683Leu (NM_001080973.1); c.1616C>T, p.Ser539Leu (NM_001318864.2); short protein forms S683L, S539L.
Identifiers: ClinVar variation 2380282 (VCV002380282.4), dbSNP rs749090471, ClinGen allele CA2462597.

ClinVar aggregate classification (germline): Uncertain significance. Review status: criteria provided, multiple submitters, no conflicts (2 of 4 stars). 2 submissions from 2 submitters: Uncertain significance (2). Last evaluated 2024-02-22.

Allele frequency attached by ClinVar (database versions not stated): gnomAD 0.00002; TOPMed 0.00002; ExAC 0.00004.
gnomAD v4.1: 19 of 1,601,446 alleles (0.0012%); highest among the groups gnomAD compares: Non-Finnish European, 0.0013%; no homozygotes.

Submissions (2):

Labcorp Genetics (formerly Invitae), Labcorp
Classification: Uncertain significance. Last evaluated: 2024-02-22. Review status: criteria provided, single submitter. Criteria: Invitae Variant Classification Sherloc (09022015). Collection method: clinical testing. Allele origin: germline.
Comment: This sequence change replaces serine, which is neutral and polar, with leucine, which is neutral and non-polar, at codon 683 of the IL17RD protein (p.Ser683Leu). The frequency data for this variant in the population databases is considered unreliable, as metrics indicate poor data quality at this position in the gnomAD database. This variant has not been reported in the literature in individuals affected with IL17RD-related conditions. ClinVar contains an entry for this variant (Variation ID: 2380282). Advanced modeling of protein sequence and biophysical properties (such as structural, functional, and spatial information, amino acid conservation, physicochemical variation, residue mobility, and thermodynamic stability) performed at Invitae indicates that this missense variant is not expected to disrupt IL17RD protein function with a negative predictive value of 80%. In summary, the available evidence is currently insufficient to determine the role of this variant in disease. Therefore, it has been classified as a Variant of Uncertain Significance.

Ambry Genetics
Classification: Uncertain significance. Last evaluated: 2022-04-12. Review status: criteria provided, single submitter. Criteria: Ambry Variant Classification Scheme 2023. Collection method: clinical testing. Allele origin: germline.